The following is an entry in ClinVar:

ClinVar aggregate classification (germline): Uncertain significance (1 of 4 stars; one submission).

Conditions:
Deficiency of hydroxymethylglutaryl-CoA lyase (HMGCLD). Also called: Defect in leucine metabolism; 3-hydroxy-3-methylglutaric aciduria; HMG-CoA LYASE DEFICIENCY; HMGCL DEFICIENCY; HYDROXYMETHYLGLUTARIC ACIDURIA. Identifiers: Orphanet 20, MedGen C1533587, MONDO:0009520, OMIM 246450.

Submission:

Labcorp Genetics (formerly Invitae), Labcorp
Classification: Uncertain significance for Deficiency of hydroxymethylglutaryl-CoA lyase. Last evaluated: 2023-12-07. Review status: criteria provided, single submitter. Criteria: Invitae Variant Classification Sherloc (09022015). Collection method: clinical testing. Allele origin: germline.
Comment: This sequence change falls in intron 1 of the HMGCL gene. It does not directly change the encoded amino acid sequence of the HMGCL protein. It affects a nucleotide within the consensus splice site. This variant is not present in population databases (gnomAD no frequency). This variant has not been reported in the literature in individuals affected with HMGCL-related conditions. Variants that disrupt the consensus splice site are a relatively common cause of aberrant splicing (PMID: 17576681, 9536098). Algorithms developed to predict the effect of sequence changes on RNA splicing suggest that this variant may disrupt the consensus splice site. In summary, the available evidence is currently insufficient to determine the role of this variant in disease. Therefore, it has been classified as a Variant of Uncertain Significance.

Literature cited by the submitters: PubMed 17576681; PubMed 9536098.

NM_000191.3(HMGCL):c.60+6T>A

Gene: HMGCL (3-hydroxy-3-methylglutaryl-CoA lyase; minus strand). Cytogenetic location: 1p36.11.
Variant type: single nucleotide variant.
Coding change: c.60+6T>A on transcript NM_000191.3 (MANE Select); 6 bases into the intron after coding-DNA position 60, T replaced by A.
Molecular consequence: intron variant.
Genome position (GRCh38, 1-based): chr1:23,825,350, A>T on the plus strand (T>A on the coding strand, the complement: HMGCL is on the minus strand). VCF-style: chr1-23825350-A-T. GRCh37 (hg19) VCF-style: chr1-24151840-A-T.
Other names: c.60+6T>A (NM_001166059.2).
Identifiers: ClinVar variation 2701358 (VCV002701358.3), dbSNP rs2148428401, ClinGen allele CA2697552260.